The following is an entry in ClinVar:

NM_002439.5(MSH3):c.595G>A (p.Asp199Asn)

Gene: MSH3 (mutS homolog 3; plus strand). Cytogenetic location: 5q14.1.
Variant type: single nucleotide variant.
Coding change: c.595G>A on transcript NM_002439.5 (MANE Select); coding-DNA position 595, G replaced by A.
Protein change: p.Asp199Asn; replaces aspartic acid 199 with asparagine.
Molecular consequence: missense variant.
Genome position (GRCh38, 1-based): chr5:80,670,112, G>A. VCF-style: chr5-80670112-G-A. GRCh37 (hg19) VCF-style: chr5-79965931-G-A.
Other names: c.595G>A (NM_002439.3); short protein forms D199N.
Identifiers: ClinVar variation 945318 (VCV000945318.10), dbSNP rs1749670388, ClinGen allele CA360265899.
Genomic context (GRCh38, chr5:80,670,112, plus strand): 5'-TTGTGGTTAATATTTTTAAAACTTTATACATCTTTTGGTTGCCAGGACACAACACTTTTT[G>A]ATCTCAGTCAGTTTGGATCATCAAATACAAGTCATGAAAATTTACAGAAAACTGCTTCCA-3'
Protein context (NP_002430.3, residues 189-209): QINQKDTTLF[Asp199Asn]LSQFGSSNTS

ClinVar aggregate classification (germline): Uncertain significance. Review status: criteria provided, multiple submitters, no conflicts (2 of 4 stars). 2 submissions from 2 submitters: Uncertain significance (2). Last evaluated 2025-07-20.

Conditions:
Hereditary cancer-predisposing syndrome. Also called: Neoplastic Syndromes, Hereditary; Hereditary Cancer Syndrome; Tumor predisposition; Hereditary neoplastic syndrome. Identifiers: Orphanet 140162, MedGen C0027672, MeSH D009386, MONDO:0015356.

Submissions (2):

Ambry Genetics
Classification: Uncertain significance for Hereditary cancer-predisposing syndrome. Last evaluated: 2025-07-20. Review status: criteria provided, single submitter. Criteria: Ambry Variant Classification Scheme 2023. Collection method: clinical testing. Allele origin: germline.
Comment: The p.D199N variant (also known as c.595G>A), located in coding exon 4 of the MSH3 gene, results from a G to A substitution at nucleotide position 595. The aspartic acid at codon 199 is replaced by asparagine, an amino acid with highly similar properties. This amino acid position is conserved. In addition, this alteration is predicted to be tolerated by in silico analysis. Based on the available evidence, the clinical significance of this variant remains unclear.

Labcorp Genetics (formerly Invitae), Labcorp
Classification: Uncertain significance. Last evaluated: 2019-05-16. Review status: criteria provided, single submitter. Criteria: Invitae Variant Classification Sherloc (09022015). Collection method: clinical testing. Allele origin: germline.
Comment: This sequence change replaces aspartic acid with asparagine at codon 199 of the MSH3 protein (p.Asp199Asn). The aspartic acid residue is weakly conserved and there is a small physicochemical difference between aspartic acid and asparagine. This variant is not present in population databases (ExAC no frequency). This variant has not been reported in the literature in individuals with MSH3-related conditions. Algorithms developed to predict the effect of missense changes on protein structure and function (SIFT, PolyPhen-2, Align-GVGD) all suggest that this variant is likely to be tolerated, but these predictions have not been confirmed by published functional studies and their clinical significance is uncertain. In summary, the available evidence is currently insufficient to determine the role of this variant in disease. Therefore, it has been classified as a Variant of Uncertain Significance.